The following is an entry in ClinVar:

NM_004104.5(FASN):c.2036G>T (p.Gly679Val)

Gene: FASN (fatty acid synthase; minus strand). Cytogenetic location: 17q25.3.
Variant type: single nucleotide variant.
Coding change: c.2036G>T on transcript NM_004104.5 (MANE Select); coding-DNA position 2036, G replaced by T.
Protein change: p.Gly679Val; replaces glycine 679 with valine.
Molecular consequence: missense variant.
Genome position (GRCh38, 1-based): chr17:82,089,314, C>A on the plus strand (G>T on the coding strand, the complement: FASN is on the minus strand). VCF-style: chr17-82089314-C-A. GRCh37 (hg19) VCF-style: chr17-80047190-C-A.
Other names: short protein forms G679V.
Identifiers: ClinVar variation 4737602 (VCV004737602.1).

ClinVar aggregate classification (germline): Uncertain significance (1 of 4 stars; one submission).

Conditions:
Epileptic encephalopathy. Identifiers: MedGen C0543888, HP:0200134.

gnomAD v4.1: 1 of 1,612,656 alleles (0.000062%); highest among the groups gnomAD compares: African/African-American, 0.0013%; no homozygotes.

Submission:

Labcorp Genetics (formerly Invitae), Labcorp
Classification: Uncertain significance for Epileptic encephalopathy. Last evaluated: 2025-07-06. Review status: criteria provided, single submitter. Criteria: Invitae Variant Classification Sherloc (09022015). Collection method: clinical testing. Allele origin: germline.
Comment: This sequence change replaces glycine, which is neutral and non-polar, with valine, which is neutral and non-polar, at codon 679 of the FASN protein (p.Gly679Val). This variant is not present in population databases (gnomAD no frequency). This variant has not been reported in the literature in individuals affected with FASN-related conditions. An algorithm developed to predict the effect of missense changes on protein structure and function (PolyPhen-2) suggests that this variant is likely to be disruptive. In summary, the available evidence is currently insufficient to determine the role of this variant in disease. Therefore, it has been classified as a Variant of Uncertain Significance.